The following is an entry in ClinVar:

NM_004100.5(EYA4):c.983C>T (p.Thr328Ile)

Gene: EYA4 (EYA transcriptional coactivator and phosphatase 4; plus strand). Cytogenetic location: 6q23.2.
Variant type: single nucleotide variant.
Coding change: c.983C>T on transcript NM_004100.5 (MANE Select); coding-DNA position 983, C replaced by T.
Protein change: p.Thr328Ile; replaces threonine 328 with isoleucine.
Molecular consequence: missense variant.
Genome position (GRCh38, 1-based): chr6:133,481,475, C>T. VCF-style: chr6-133481475-C-T. GRCh37 (hg19) VCF-style: chr6-133802613-C-T.
Other names: c.821C>T, p.Thr274Ile (NM_001301012.2); c.1001C>T, p.Thr334Ile (NM_001301013.2); c.914C>T, p.Thr305Ile (NM_001370458.1, NM_172103.4); c.839C>T, p.Thr280Ile (NM_001370459.1); c.983C>T, p.Thr328Ile (NM_172105.4); c.983C>T (NM_004100.4); short protein forms T328I, T334I, T280I, T274I, T305I.
Identifiers: ClinVar variation 1514005 (VCV001514005.9), dbSNP rs897811426, ClinGen allele CA148056312.

ClinVar aggregate classification (germline): Uncertain significance. Review status: criteria provided, multiple submitters, no conflicts (2 of 4 stars). 2 submissions from 2 submitters: Uncertain significance (2). Last evaluated 2025-03-31.

Conditions:
Cardiovascular phenotype. Identifiers: MedGen CN230736.
Dilated cardiomyopathy 1J (CMD1J). Also called: CARDIOMYOPATHY, DILATED, WITH SENSORINEURAL HEARING LOSS, AUTOSOMAL DOMINANT. Identifiers: Orphanet 217622, MedGen C1854368, MONDO:0011541, OMIM 605362.

Allele frequency attached by ClinVar (database versions not stated): gnomAD exomes below 0.00001.
gnomAD v4.1: 1 of 1,613,670 alleles (0.000062%); highest among the groups gnomAD compares: Non-Finnish European, 0.000085%; no homozygotes.

Submissions (2):

Ambry Genetics
Classification: Uncertain significance for Cardiovascular phenotype. Last evaluated: 2025-03-31. Review status: criteria provided, single submitter. Criteria: Ambry Variant Classification Scheme 2023. Collection method: clinical testing. Allele origin: germline.
Comment: The p.T328I variant (also known as c.983C>T), located in coding exon 11 of the EYA4 gene, results from a C to T substitution at nucleotide position 983. The threonine at codon 328 is replaced by isoleucine, an amino acid with similar properties. This amino acid position is conserved. In addition, the in silico prediction for this alteration is inconclusive. Based on the available evidence, the clinical significance of this variant remains unclear.

Labcorp Genetics (formerly Invitae), Labcorp
Classification: Uncertain significance for Dilated cardiomyopathy 1J. Last evaluated: 2024-08-07. Review status: criteria provided, single submitter. Criteria: Invitae Variant Classification Sherloc (09022015). Collection method: clinical testing. Allele origin: germline.
Comment: This sequence change replaces threonine, which is neutral and polar, with isoleucine, which is neutral and non-polar, at codon 328 of the EYA4 protein (p.Thr328Ile). This variant is not present in population databases (gnomAD no frequency). This variant has not been reported in the literature in individuals affected with EYA4-related conditions. ClinVar contains an entry for this variant (Variation ID: 1514005). Advanced modeling of protein sequence and biophysical properties (such as structural, functional, and spatial information, amino acid conservation, physicochemical variation, residue mobility, and thermodynamic stability) performed at Invitae indicates that this missense variant is not expected to disrupt EYA4 protein function with a negative predictive value of 80%. In summary, the available evidence is currently insufficient to determine the role of this variant in disease. Therefore, it has been classified as a Variant of Uncertain Significance.